The following is an entry in ClinVar:

NM_001365276.2(TNXB):c.6448G>A (p.Val2150Met)

Gene: TNXB (tenascin XB; minus strand). Cytogenetic location: 6p21.33.
Variant type: single nucleotide variant.
Coding change: c.6448G>A on transcript NM_001365276.2 (MANE Select); coding-DNA position 6448, G replaced by A.
Protein change: p.Val2150Met; replaces valine 2150 with methionine.
Molecular consequence: missense variant.
Genome position (GRCh38, 1-based): chr6:32,067,757, C>T on the plus strand (G>A on the coding strand, the complement: TNXB is on the minus strand). VCF-style: chr6-32067757-C-T. GRCh37 (hg19) VCF-style: chr6-32035534-C-T.
Other names: c.6448G>A, p.Val2150Met (NM_019105.8); c.6448G>A (NM_019105.6); short protein forms V2150M.
Identifiers: ClinVar variation 1711622 (VCV001711622.32), dbSNP rs373436925, ClinGen allele CA3734431.

ClinVar aggregate classification (germline): Uncertain significance. Review status: criteria provided, multiple submitters, no conflicts (2 of 4 stars). 2 submissions from 2 submitters: Uncertain significance (2). Last evaluated 2022-12-06.

Conditions:
Cardiovascular phenotype. Identifiers: MedGen CN230736.

Allele frequency attached by ClinVar (database versions not stated): gnomAD 0.00002; TOPMed 0.00002; ESP Exome Variant Server 0.00008.
gnomAD v4.1: 13 of 1,613,566 alleles (0.00081%); highest among the groups gnomAD compares: African/African-American, 0.0053%; no homozygotes.

Submissions (2):

Ambry Genetics
Classification: Uncertain significance for Cardiovascular phenotype. Last evaluated: 2022-12-06. Review status: criteria provided, single submitter. Criteria: Ambry Variant Classification Scheme 2023. Collection method: clinical testing. Allele origin: germline.
Comment: The p.V2150M variant (also known as c.6448G>A), located in coding exon 17 of the TNXB gene, results from a G to A substitution at nucleotide position 6448. The valine at codon 2150 is replaced by methionine, an amino acid with highly similar properties. This amino acid position is conserved. In addition, this alteration is predicted to be tolerated by in silico analysis. Since supporting evidence is limited at this time, the clinical significance of this alteration remains unclear.

CeGaT Center for Human Genetics Tuebingen
Classification: Uncertain significance. Last evaluated: 2022-08-01. Review status: criteria provided, single submitter. Criteria: CeGaT Center For Human Genetics Tuebingen Variant Classification Criteria Version 2. Collection method: clinical testing. Allele origin: germline. Affected: yes. Observed: 1 variant allele.
Comment: TNXB: PM2, BP4